The following is an entry in ClinVar:

NM_002579.3(PALM):c.658G>A (p.Ala220Thr)

Gene: PALM (paralemmin; plus strand). Cytogenetic location: 19p13.3.
Variant type: single nucleotide variant.
Coding change: c.658G>A on transcript NM_002579.3 (MANE Select); coding-DNA position 658, G replaced by A.
Protein change: p.Ala220Thr; replaces alanine 220 with threonine.
Molecular consequence: missense variant.
Genome position (GRCh38, 1-based): chr19:746,308, G>A. VCF-style: chr19-746308-G-A. GRCh37 (hg19) VCF-style: chr19-746308-G-A.
Other names: c.658G>A (NM_002579.2); c.526G>A, p.Ala176Thr (NM_001040134.2); short protein forms A220T, A176T.
Identifiers: ClinVar variation 1507975 (VCV001507975.7), dbSNP rs142636705, ClinGen allele CA9022726.

ClinVar aggregate classification (germline): Uncertain significance. Review status: criteria provided, multiple submitters, no conflicts (2 of 4 stars). 2 submissions from 2 submitters: Uncertain significance (2). Last evaluated 2024-11-10.

Allele frequency attached by ClinVar (database versions not stated): gnomAD 0.00004; ESP Exome Variant Server 0.00008.
gnomAD v4.1: 59 of 1,613,256 alleles (0.0037%); highest among the groups gnomAD compares: Middle Eastern, 0.099%; no homozygotes.

Submissions (2):

Ambry Genetics
Classification: Uncertain significance. Last evaluated: 2024-11-10. Review status: criteria provided, single submitter. Criteria: Ambry Variant Classification Scheme 2023. Collection method: clinical testing. Allele origin: germline.

Labcorp Genetics (formerly Invitae), Labcorp
Classification: Uncertain significance. Last evaluated: 2023-10-03. Review status: criteria provided, single submitter. Criteria: Invitae Variant Classification Sherloc (09022015). Collection method: clinical testing. Allele origin: germline.
Comment: This sequence change replaces alanine, which is neutral and non-polar, with threonine, which is neutral and polar, at codon 220 of the PALM protein (p.Ala220Thr). This variant is present in population databases (rs142636705, gnomAD 0.01%). This variant has not been reported in the literature in individuals affected with PALM-related conditions. ClinVar contains an entry for this variant (Variation ID: 1507975). Algorithms developed to predict the effect of missense changes on protein structure and function output the following: SIFT: "Not Available"; PolyPhen-2: "Benign"; Align-GVGD: "Not Available". The threonine amino acid residue is found in multiple mammalian species, which suggests that this missense change does not adversely affect protein function. In summary, the available evidence is currently insufficient to determine the role of this variant in disease. Therefore, it has been classified as a Variant of Uncertain Significance.